The following is an entry in ClinVar:

NM_015158.5(KANK1):c.1607C>A (p.Thr536Lys)

Gene: KANK1 (KN motif and ankyrin repeat domains 1; plus strand). Cytogenetic location: 9p24.3.
Variant type: single nucleotide variant.
Coding change: c.1607C>A on transcript NM_015158.5 (MANE Select); coding-DNA position 1607, C replaced by A.
Protein change: p.Thr536Lys; replaces threonine 536 with lysine.
Molecular consequence: missense variant. On other transcripts: non-coding transcript variant (1).
Genome position (GRCh38, 1-based): chr9:712,373, C>A. VCF-style: chr9-712373-C-A. GRCh37 (hg19) VCF-style: chr9-712373-C-A.
Other names: c.1607C>A, p.Thr536Lys (NM_001256876.3, NM_001256877.3, NM_001354331.2 and 2 more transcripts); c.1133C>A, p.Thr378Lys (NM_001354333.2, NM_001354335.2, NM_001354336.2 and 9 more transcripts); short protein forms T378K, T536K.
Identifiers: ClinVar variation 1348968 (VCV001348968.9), dbSNP rs149011172, ClinGen allele CA4960260.
Genomic context (GRCh38, chr9:712,373, plus strand): 5'-TGGAGGCAGTGGTGCAGACCAGAGACCAAATGGTCGGCAGTCACATGGACCTGGTGGACA[C>A]GTGTGTTGGGACCTCCGTGGAAACAAACAGTGTAGGCATCTCCTGCCAGCCTGAATGTAA-3'
Protein context (NP_055973.2, residues 526-546): MVGSHMDLVD[Thr536Lys]CVGTSVETNS

ClinVar aggregate classification (germline): Uncertain significance. Review status: criteria provided, multiple submitters, no conflicts (2 of 4 stars). 2 submissions from 2 submitters: Uncertain significance (2). Last evaluated 2025-07-27.

Conditions:
Cerebral palsy, spastic quadriplegic, 2 (CPSQ2). Identifiers: Orphanet 210141, MedGen C2752061, MONDO:0013033, OMIM 612900.

Allele frequency attached by ClinVar (database versions not stated): 1000 Genomes Project 30x 0.00016; 1000 Genomes Project 0.00020; ESP Exome Variant Server 0.00062.
gnomAD v4.1: 87 of 1,614,152 alleles (0.0054%); highest among the groups gnomAD compares: African/African-American, 0.1%; 1 homozygote.

Submissions (2):

Labcorp Genetics (formerly Invitae), Labcorp
Classification: Uncertain significance. Last evaluated: 2025-07-27. Review status: criteria provided, single submitter. Criteria: Invitae Variant Classification Sherloc (09022015). Collection method: clinical testing. Allele origin: germline.
Comment: This sequence change replaces threonine, which is neutral and polar, with lysine, which is basic and polar, at codon 536 of the KANK1 protein (p.Thr536Lys). This variant is present in population databases (rs149011172, gnomAD 0.1%), and has an allele count higher than expected for a pathogenic variant. This variant has not been reported in the literature in individuals affected with KANK1-related conditions. ClinVar contains an entry for this variant (Variation ID: 1348968). Invitae Evidence Modeling of protein sequence and biophysical properties (such as structural, functional, and spatial information, amino acid conservation, physicochemical variation, residue mobility, and thermodynamic stability) indicates that this missense variant is not expected to disrupt KANK1 protein function with a negative predictive value of 80%. In summary, the available evidence is currently insufficient to determine the role of this variant in disease. Therefore, it has been classified as a Variant of Uncertain Significance.

Fulgent Genetics
Classification: Uncertain significance for Cerebral palsy, spastic quadriplegic, 2. Last evaluated: 2022-05-06. Review status: criteria provided, single submitter. Criteria: ACMG Guidelines, 2015. Collection method: clinical testing. Allele origin: unknown.